The following is an entry in ClinVar:

ClinVar aggregate classification (germline): Likely benign (1 of 4 stars; one submission).

Submission:

CeGaT Center for Human Genetics Tuebingen
Classification: Likely benign. Last evaluated: 2024-10-01. Review status: criteria provided, single submitter. Criteria: CeGaT Center For Human Genetics Tuebingen Variant Classification Criteria Version 2. Collection method: clinical testing. Allele origin: germline. Affected: yes. Observed: 1 variant allele.
Comment: WDR81: PM2:Supporting, BP4, BP7

NM_001163809.2(WDR81):c.3240T>C (p.Pro1080=)

Gene: WDR81 (WD repeat domain 81; plus strand). Cytogenetic location: 17p13.3.
Variant type: single nucleotide variant.
Coding change: c.3240T>C on transcript NM_001163809.2 (MANE Select); coding-DNA position 3240, T replaced by C.
Protein change: p.Pro1080=; no amino-acid change (proline 1080 retained).
Molecular consequence: synonymous variant. On other transcripts: intron variant (2).
Genome position (GRCh38, 1-based): chr17:1,728,199, T>C. VCF-style: chr17-1728199-T-C. GRCh37 (hg19) VCF-style: chr17-1631493-T-C.
Other names: c.87T>C, p.Pro29= (NM_152348.4); c.59-2181T>C (NM_001163673.2); c.-14-2181T>C (NM_001163811.2).
Identifiers: ClinVar variation 3389278 (VCV003389278.14).